The following is an entry in ClinVar:

NM_000514.4(GDNF):c.183C>T (p.Phe61=)

Gene: GDNF (glial cell derived neurotrophic factor; minus strand). Cytogenetic location: 5p13.2.
Variant type: single nucleotide variant.
Coding change: c.183C>T on transcript NM_000514.4 (MANE Select); coding-DNA position 183, C replaced by T.
Protein change: p.Phe61=; no amino-acid change (phenylalanine 61 retained).
Molecular consequence: synonymous variant.
Genome position (GRCh38, 1-based): chr5:37,816,104, G>A on the plus strand (C>T on the coding strand, the complement: GDNF is on the minus strand). VCF-style: chr5-37816104-G-A. GRCh37 (hg19) VCF-style: chr5-37816206-G-A.
Other names: c.234C>T, p.Phe78= (NM_001190468.1); c.156C>T, p.Phe52= (NM_001190469.1); c.27C>T, p.Phe9= (NM_001278098.1); c.105C>T, p.Phe35= (NM_199231.2).
Identifiers: ClinVar variation 3051144 (VCV003051144.2), dbSNP rs115263690, ClinGen allele CA3241221.

ClinVar aggregate classification (germline): Likely benign (0 of 4 stars; one submission).

Conditions:
GDNF-related disorder. Also called: GDNF-related condition.

Allele frequency attached by ClinVar (database versions not stated): gnomAD exomes 0.00006; ExAC 0.00015; 1000 Genomes Project 30x 0.00016; 1000 Genomes Project 0.00020; ESP Exome Variant Server 0.00046; gnomAD 0.00050; TOPMed 0.00068.
gnomAD v4.1: 176 of 1,612,794 alleles (0.011%); highest among the groups gnomAD compares: African/African-American, 0.18%; no homozygotes.

Submission:

PreventionGenetics, part of Exact Sciences
Classification: Likely benign for GDNF-related condition. Last evaluated: 2020-02-17. Review status: no assertion criteria provided. Collection method: clinical testing. Allele origin: germline.
Comment: This variant is classified as likely benign based on ACMG/AMP sequence variant interpretation guidelines (Richards et al. 2015 PMID: 25741868, with internal and published modifications).